The following is an entry in ClinVar:

NM_001164277.2(SLC37A4):c.1130G>A (p.Gly377Asp)

Gene: SLC37A4 (solute carrier family 37 member 4; minus strand). Cytogenetic location: 11q23.3.
Variant type: single nucleotide variant.
Coding change: c.1130G>A on transcript NM_001164277.2 (MANE Select); coding-DNA position 1130, G replaced by A.
Protein change: p.Gly377Asp; replaces glycine 377 with aspartic acid.
Molecular consequence: missense variant.
Genome position (GRCh38, 1-based): chr11:119,025,070, C>T on the plus strand (G>A on the coding strand, the complement: SLC37A4 is on the minus strand). VCF-style: chr11-119025070-C-T. GRCh37 (hg19) VCF-style: chr11-118895780-C-T.
Other names: c.1196G>A, p.Gly399Asp (NM_001164278.2); c.911G>A, p.Gly304Asp (NM_001164279.2); c.1130G>A, p.Gly377Asp (NM_001164280.2, NM_001467.6); short protein forms G304D, G377D, G399D.
Identifiers: ClinVar variation 947435 (VCV000947435.10), dbSNP rs782665493, ClinGen allele CA6311607.

ClinVar aggregate classification (germline): Uncertain significance. Review status: criteria provided, multiple submitters, no conflicts (2 of 4 stars). 2 submissions from 2 submitters: Uncertain significance (2). Last evaluated 2024-05-16.

Conditions:
Glucose-6-phosphate transport defect (GSD1B). Also called: GSD Ib; Glycogen Storage Disease Type Ib. Identifiers: Orphanet 364, Orphanet 79259, MedGen C0268146, MONDO:0009288, OMIM 232220.

Allele frequency attached by ClinVar (database versions not stated): gnomAD exomes below 0.00001 and 0.00001; ExAC 0.00001.

Submissions (2):

Labcorp Genetics (formerly Invitae), Labcorp
Classification: Uncertain significance for Glucose-6-phosphate transport defect. Last evaluated: 2024-05-16. Review status: criteria provided, single submitter. Criteria: Invitae Variant Classification Sherloc (09022015). Collection method: clinical testing. Allele origin: germline.
Comment: This sequence change replaces glycine, which is neutral and non-polar, with aspartic acid, which is acidic and polar, at codon 377 of the SLC37A4 protein (p.Gly377Asp). This variant is present in population databases (rs782665493, gnomAD 0.006%). This missense change has been observed in individuals with clinical features of autosomal recessive glycogen storage disease (Invitae). ClinVar contains an entry for this variant (Variation ID: 947435). Advanced modeling of protein sequence and biophysical properties (such as structural, functional, and spatial information, amino acid conservation, physicochemical variation, residue mobility, and thermodynamic stability) performed at Invitae indicates that this missense variant is not expected to disrupt SLC37A4 protein function with a negative predictive value of 80%. In summary, the available evidence is currently insufficient to determine the role of this variant in disease. Therefore, it has been classified as a Variant of Uncertain Significance.

3billion
Classification: Uncertain significance for Glucose-6-phosphate transport defect. Last evaluated: 2023-07-27. Review status: criteria provided, single submitter. Criteria: ACMG Guidelines, 2015. Collection method: clinical testing. Allele origin: germline. Affected: yes.
Comment: The variant is observed at an extremely low frequency in the gnomAD v2.1.1 dataset (total allele frequency: 0.001%). Predicted Consequence/Location: Protein truncation variants are a common disease-causing mechanism. In silico tool predictions suggest damaging effect of the variant on gene or gene product (REVEL: NA; 3Cnet: 0.87). Therefore, this variant is classified as VUS according to the recommendation of ACMG/AMP guideline.